The following is an entry in ClinVar:

NM_001211.6(BUB1B):c.1208T>C (p.Ile403Thr)

Gene: BUB1B (BUB1 mitotic checkpoint serine/threonine kinase B; plus strand). Cytogenetic location: 15q15.1.
Variant type: single nucleotide variant.
Coding change: c.1208T>C on transcript NM_001211.6 (MANE Select); coding-DNA position 1208, T replaced by C.
Protein change: p.Ile403Thr; replaces isoleucine 403 with threonine.
Molecular consequence: missense variant.
Genome position (GRCh38, 1-based): chr15:40,196,694, T>C. VCF-style: chr15-40196694-T-C. GRCh37 (hg19) VCF-style: chr15-40488895-T-C.
Other names: short protein forms I403T.
Identifiers: ClinVar variation 3826136 (VCV003826136.1).
Genomic context (GRCh38, chr15:40,196,694, plus strand): 5'-AGAGCCATCAGCAAGCGTCTGAGGAGAAGAAAGAGAAGATGATGTATTGTAAGGAGAAGA[T>C]TTATGCAGGAGTAGGGGAATTCTCCTTTGAAGAAATTCGGGCTGAAGTTTTCCGGAAGAA-3'
Protein context (NP_001202.5, residues 393-413): KEKMMYCKEK[Ile403Thr]YAGVGEFSFE

ClinVar aggregate classification (germline): Uncertain significance (1 of 4 stars; one submission).

Conditions:
Inborn genetic diseases. Identifiers: MedGen C0950123, MeSH D030342.

Submission:

Ambry Genetics
Classification: Uncertain significance for Inborn genetic diseases. Last evaluated: 2025-03-11. Review status: criteria provided, single submitter. Criteria: Ambry Variant Classification Scheme 2023. Collection method: clinical testing. Allele origin: germline.
Comment: The p.I403T variant (also known as c.1208T>C), located in coding exon 9 of the BUB1B gene, results from a T to C substitution at nucleotide position 1208. The isoleucine at codon 403 is replaced by threonine, an amino acid with similar properties. This amino acid position is conserved. In addition, the in silico prediction for this alteration is inconclusive. Based on the available evidence, the clinical significance of this variant remains unclear.